The following is an entry in ClinVar:

NM_017763.6(RNF43):c.1566G>A (p.Met522Ile)

Gene: RNF43 (ring finger protein 43; minus strand). Cytogenetic location: 17q22.
Variant type: single nucleotide variant.
Coding change: c.1566G>A on transcript NM_017763.6 (MANE Select); coding-DNA position 1566, G replaced by A.
Protein change: p.Met522Ile; replaces methionine 522 with isoleucine.
Molecular consequence: missense variant.
Genome position (GRCh38, 1-based): chr17:58,358,210, C>T on the plus strand (G>A on the coding strand, the complement: RNF43 is on the minus strand). VCF-style: chr17-58358210-C-T. GRCh37 (hg19) VCF-style: chr17-56435571-C-T.
Other names: c.1566G>A, p.Met522Ile (NM_001305544.3); c.1185G>A, p.Met395Ile (NM_001305545.2); short protein forms M395I, M522I.
Identifiers: ClinVar variation 3946885 (VCV003946885.1).
Genomic context (GRCh38, chr17:58,358,210, plus strand): 5'-GGTTTCCCCTGTGGGCACCACCGAGTCCAAGGAACGAGGCCGAGAGGTCACACTAGGCTG[C>T]ATGTCCACTCGCTGGGGATCCCCTTTAGGGCTGCAGTACACTAGGGGGTCAAAGTCACTG-3'
Protein context (NP_060233.3, residues 512-532): SPKGDPQRVD[Met522Ile]QPSVTSRPRS

ClinVar aggregate classification (germline): Uncertain significance (1 of 4 stars; one submission).

gnomAD v4.1: 1 of 1,613,352 alleles (0.000062%); highest among the groups gnomAD compares: Non-Finnish European, 0.000085%; no homozygotes.

Submission:

Ambry Genetics
Classification: Uncertain significance. Last evaluated: 2025-05-11. Review status: criteria provided, single submitter. Criteria: Ambry Variant Classification Scheme 2023. Collection method: clinical testing. Allele origin: germline.
Comment: The p.M522I variant (also known as c.1566G>A), located in coding exon 8 of the RNF43 gene, results from a G to A substitution at nucleotide position 1566. The methionine at codon 522 is replaced by isoleucine, an amino acid with highly similar properties. This amino acid position is conserved. In addition, this alteration is predicted to be tolerated by in silico analysis. Based on the available evidence, the clinical significance of this variant remains unclear.